The following is an entry in ClinVar:

NM_001369.3(DNAH5):c.6847G>A (p.Gly2283Arg)

Gene: DNAH5 (dynein axonemal heavy chain 5; minus strand). Cytogenetic location: 5p15.2.
Variant type: single nucleotide variant.
Coding change: c.6847G>A on transcript NM_001369.3 (MANE Select); coding-DNA position 6847, G replaced by A.
Protein change: p.Gly2283Arg; replaces glycine 2283 with arginine.
Molecular consequence: missense variant.
Genome position (GRCh38, 1-based): chr5:13,817,689, C>T on the plus strand (G>A on the coding strand, the complement: DNAH5 is on the minus strand). VCF-style: chr5-13817689-C-T. GRCh37 (hg19) VCF-style: chr5-13817798-C-T.
Other names: short protein forms G2283R.
Identifiers: ClinVar variation 2630726 (VCV002630726.1), dbSNP rs2546834501, ClinGen allele CA359193841.

ClinVar aggregate classification (germline): Uncertain significance (1 of 4 stars; one submission).

Conditions:
DNAH5-related disorder. Also called: DNAH5-related condition.

Submission:

PreventionGenetics, part of Exact Sciences
Classification: Uncertain significance for DNAH5-related condition. Last evaluated: 2023-08-08. Review status: criteria provided, single submitter. Criteria: ACMG Guidelines, 2015. Collection method: clinical testing. Allele origin: germline.
Comment: The DNAH5 c.6847G>A variant is predicted to result in the amino acid substitution p.Gly2283Arg. To our knowledge, this variant has not been reported in the literature or in a large population database, indicating this variant is rare. At this time, the clinical significance of this variant is uncertain due to the absence of conclusive functional and genetic evidence.